The following is an entry in ClinVar:

NM_005475.3(SH2B3):c.1228del (p.Gly409_Ile410insTer)

Gene: SH2B3 (SH2B adaptor protein 3; plus strand). Cytogenetic location: 12q24.12.
Variant type: Deletion.
Coding change: c.1228del on transcript NM_005475.3 (MANE Select); coding-DNA position 1228, one base deleted (A; older notation c.1228delA).
Protein change: p.Gly409_Ile410insTer.
Molecular consequence: nonsense.
Genome position (GRCh38, 1-based): chr12:111,447,536, A deleted. VCF-style (leftmost placement, unchanged base first): chr12-111447535-GA-G. GRCh37 (hg19) VCF-style: chr12-111885339-GA-G.
Other names: c.622del, p.Gly207_Ile208insTer (NM_001291424.1).
Identifiers: ClinVar variation 1805838 (VCV001805838.1), dbSNP rs2500219496, ClinGen allele CA891842142.
Genomic context (GRCh38, chr12:111,447,535, plus strand): 5'-CCTGGTGCGGCAGAGCGAGACGCGGCGTGGGGAATACGTGCTCACTTTCAACTTTCAGGG[GA>G]TAGCCAAGGTATGGGGTGGGGTGGGGTGGGGTGGGGCAGGCAGGACCGTGCCACCCCTCT-3'

ClinVar aggregate classification (germline): Pathogenic (1 of 4 stars; one submission).

Conditions:
Hereditary cancer-predisposing syndrome. Also called: Neoplastic Syndromes, Hereditary; Hereditary neoplastic syndrome; Hereditary Cancer Syndrome; Tumor predisposition. Identifiers: Orphanet 140162, MedGen C0027672, MeSH D009386, MONDO:0015356.

Submission:

Victorian Clinical Genetics Services, Murdoch Childrens Research Institute
Classification: Pathogenic for Hereditary cancer-predisposing syndrome. Last evaluated: 2020-10-19. Review status: criteria provided, single submitter. Criteria: ACMG Guidelines, 2015. Collection method: clinical testing. Allele origin: germline. Inheritance: Unknown mechanism. Affected: yes.
Comment: Based on the classification scheme VCGS_Germline_v1.3.3, this variant is classified as Pathogenic. Following criteria are met: 0102 - Loss of function is a known mechanism of disease in this gene and is associated with cancers (OMIM). (I) 0111 - The inheritance pattern for this gene is unknown. Currently only somatic mutations are reported in OMIM. Germline variants in this gene are associated with predisposition to haematological malignancies (PMIDs: 26457647, 23908464, 31102422, 31173385). (I) 0201 - Variant is predicted to cause nonsense-mediated decay (NMD) and loss of protein (premature termination codon is located at least 54 nucleotides upstream of the final exon-exon junction). (SP) 0252 - This variant is homozygous. (I) 0301 - Variant is absent from gnomAD (both v2 and v3). (SP) 0708 - Other NMD-predicted variant(s) comparable to the one identified in this case have conflicting previous evidence for pathogenicity. NMD-predicted variants have previously been reported in somatic and germline cases with mixed interpretations (ClinVar, PMIDs: 26457647, 23908464). (I) 0807 - This variant has no previous evidence of pathogenicity. (I) 0905 - No published segregation evidence has been identified for this variant. (I) 1007 - No published functional evidence has been identified for this variant. (I) Legend: (SP) - Supporting pathogenic, (I) - Information, (SB) - Supporting benign

Literature cited by the submitters: PubMed 23908464; PubMed 26457647; PubMed 31102422; PubMed 31173385.